The following is an entry in ClinVar:

ClinVar aggregate classification (germline): Likely benign (1 of 4 stars; one submission).

Conditions:
TAMM41-related condition.

gnomAD v4.1: 30 of 1,614,160 alleles (0.0019%); highest among the groups gnomAD compares: Admixed American, 0.043%; 1 homozygote.

Submission:

PreventionGenetics, part of Exact Sciences
Classification: Likely benign for TAMM41-related condition. Last evaluated: 2025-11-22. Review status: criteria provided, single submitter. Criteria: ACMG Guidelines, 2015. Collection method: clinical testing. Allele origin: germline.
Comment: This variant is classified as likely benign based on ACMG/AMP sequence variant interpretation guidelines (Richards et al. 2015 PMID: 25741868, with internal and published modifications).

NM_001284401.2(TAMM41):c.471G>A (p.Leu157=)

Gene: TAMM41 (TAM41 mitochondrial translocator assembly and maintenance homolog). Cytogenetic location: 3p25.2.
Variant type: single nucleotide variant.
Coding change: c.471G>A on transcript NM_001284401.2 (MANE Select); coding-DNA position 471, G replaced by A.
Protein change: p.Leu157=; no amino-acid change (leucine 157 retained).
Molecular consequence: synonymous variant. On other transcripts: 5 prime UTR variant (1), non-coding transcript variant (10).
Genome position (GRCh38, 1-based): chr3:11,829,805, C>T on the plus strand (G>A on the coding strand, the complement: TAMM41 is on the minus strand). VCF-style: chr3-11829805-C-T. GRCh37 (hg19) VCF-style: chr3-11871279-C-T.
Other names: c.348G>A, p.Leu116= (NM_001321294.2); c.-28G>A (NM_001321295.2); c.471G>A, p.Leu157= (NM_001366031.2, NM_001394474.1, NM_138807.4).
Identifiers: ClinVar variation 4979666 (VCV004979666.1).